The following is an entry in ClinVar:

NM_133259.4(LRPPRC):c.1650-209A>G

Gene: LRPPRC (leucine rich pentatricopeptide repeat containing; minus strand). Cytogenetic location: 2p21.
Variant type: single nucleotide variant.
Coding change: c.1650-209A>G on transcript NM_133259.4 (MANE Select); 209 bases into the intron before coding-DNA position 1650, A replaced by G.
Molecular consequence: intron variant.
Genome position (GRCh38, 1-based): chr2:43,950,809, T>C on the plus strand (A>G on the coding strand, the complement: LRPPRC is on the minus strand). VCF-style: chr2-43950809-T-C. GRCh37 (hg19) VCF-style: chr2-44177948-T-C.
Identifiers: ClinVar variation 684313 (VCV000684313.1), dbSNP rs4245798, ClinGen allele CA15158014.
Genomic context (GRCh38, chr2:43,950,809, plus strand): 5'-AGAAAGGCTGACACTCACCCACCTCAAATATTCAAAATAGGCCAGGCCTGGTGGCTCACA[T>C]CTGCAATCCCAGCACTTTGGGAGGCCAAGGCAGGTGGATCACCTGAGGTCAGGAGTTTGA-3'

ClinVar aggregate classification (germline): Benign (1 of 4 stars; one submission).

Allele frequency attached by ClinVar (database versions not stated): gnomAD 0.66887; 1000 Genomes Project 0.79553; TOPMed 0.69555; 1000 Genomes Project 30x 0.79232.
gnomAD v4.1: 102,695 of 152,126 alleles (68%); highest among the groups gnomAD compares: East Asian, 98%; 35,961 homozygotes.

Submission:

GeneDx
Classification: Benign. Last evaluated: 2018-06-14. Review status: criteria provided, single submitter. Criteria: GeneDx Variant Classification (06012015). Collection method: clinical testing. Allele origin: germline. Affected: yes.
Comment: This variant is considered likely benign or benign based on one or more of the following criteria: it is a conservative change, it occurs at a poorly conserved position in the protein, it is predicted to be benign by multiple in silico algorithms, and/or has population frequency not consistent with disease.